The following is an entry in ClinVar:

NM_004972.4(JAK2):c.1849G>T (p.Val617Phe)

Genes: INSL6 (insulin like 6; minus strand), JAK2 (Janus kinase 2; plus strand). Cytogenetic location: 9p24.1.
Variant type: single nucleotide variant.
Coding change: c.1849G>T on transcript NM_004972.4 (MANE Select); coding-DNA position 1849, G replaced by T.
Protein change: p.Val617Phe; replaces valine 617 with phenylalanine.
Molecular consequence: missense variant. On other transcripts: non-coding transcript variant (2).
Genome position (GRCh38, 1-based): chr9:5,073,770, G>T. VCF-style: chr9-5073770-G-T. GRCh37 (hg19) VCF-style: chr9-5073770-G-T.
Other names: c.1849G>T, p.Val617Phe (NM_001322194.2, NM_001322195.2, NM_001322196.2); c.634G>T, p.Val212Phe (NM_001322198.2, NM_001322199.2); c.1402G>T, p.Val468Phe (NM_001322204.2); short protein forms V617F, V212F, V468F.
Identifiers: ClinVar variation 14662 (VCV000014662.146), dbSNP rs77375493, ClinGen allele CA124183.

ClinVar aggregate classification (germline): Pathogenic/Likely pathogenic. Review status: criteria provided, multiple submitters, no conflicts (2 of 4 stars). 32 submissions from 24 submitters: Pathogenic (15); Likely pathogenic (4). 13 of the submissions do not count toward it. Last evaluated 2026-08-01.
ClinVar aggregate classification (oncogenicity): Likely oncogenic (1 of 4 stars; one submission).

Conditions:
JAK2-related disorder. Also called: JAK2-related condition.
Erythrocyte disorder. Also called: Erythrocyte disease. Identifiers: MedGen C0221016, MONDO:0044347.
Primary myelofibrosis. Also called: Myelofibrosis, somatic. Identifiers: Orphanet 824, MedGen C0001815, MeSH D055728, MONDO:0009692, OMIM 254450.
Splenomegaly. Also called: Enlarged Spleen. Identifiers: MedGen C0038002, HP:0001744.
Budd-Chiari syndrome (BDCHS). Also called: Hepatic vein obstruction. Identifiers: Orphanet 131, MedGen C0856761, MONDO:0010947, OMIM 600880, HP:0002639.
Primary familial polycythemia due to EPO receptor mutation. Also called: Erythrocytosis, familial, 1; POLYCYTHEMIA, PRIMARY FAMILIAL AND CONGENITAL; Primary Familial Congenital Polycythemia; ERYTHROCYTOSIS, SOMATIC. Identifiers: Orphanet 90042, MedGen C4551637, MONDO:0007572, OMIM 133100.
Thrombocythemia 3 (THCYT3). Also called: THROMBOCYTOSIS 3; THROMBOCYTHEMIA 3, SOMATIC. Identifiers: MedGen C3281125, MONDO:0013794, OMIM 614521.
Acute myeloid leukemia (AML). Also called: Acute myeloid leukemia, adult; AML adult; Acute non-lymphocytic leukemia; Acute granulocytic leukemia; Leukemia, acute myelogenous, somatic; Leukemia, acute myeloid, somatic. Identifiers: Orphanet 519, MedGen C0023467, MeSH D015470, MONDO:0018874, OMIM 601626, HP:0004808. Disease mechanism: Constitutively activated FLT3.
Acquired polycythemia vera. Also called: Polycythemia vera, somatic; POLYCYTHEMIA RUBRA VERA; Suspected polycythemia vera. Identifiers: Orphanet 729, MedGen C0032463, MeSH D011087, MONDO:0009891, OMIM 263300.
Polycythemia. Also called: Polycythemia (disease); Polycythaemia. Identifiers: Orphanet 98427, MedGen C0032461, MONDO:0005571, HP:0001901.
Myeloproliferative disorder. Also called: Myeloproliferative disease. Identifiers: MedGen C0027022, MeSH D009196, HP:0005547.
Budd-Chiari syndrome, susceptibility to, somatic.

Allele frequency attached by ClinVar (database versions not stated): gnomAD exomes 0.00035; gnomAD 0.00036 and 0.00037; ExAC 0.00068.
gnomAD v4.1: 471 of 1,605,918 alleles (0.029%); highest among the groups gnomAD compares: Middle Eastern, 0.049%; 17 homozygotes.

Submissions 1 to 11 of 33:

Center for Virology of Infectious and Tropical Diseases (CVMIT), Mohammed V Military Teaching Hospital
Classification: Likely oncogenic for Acute myeloid leukemia. Last evaluated: 2026-10-26. Review status: criteria provided, single submitter. Criteria: ClinGen/CGC/VICC Guidelines for Oncogenicity, 2022. Collection method: research. Allele origin: somatic. Affected: yes. Observed: 2 variant alleles.
Comment: JAK2 p.Val617Phe. Identified by targeted NGS (Ion Torrent) in 2 patient(s) with AML from Morocco; variant allele fraction: 3.5%; 92.9%. Oncogenicity classified with the ClinGen/CGC/VICC SOP (Horak et al. 2022, PMID:35101336). Criteria applied: OS2: gain-of-function, constitutive JAK-STAT signalling and cytokine independence (PMID:15793561, PMID:15858187, PMID:15837627, PMID:15781101); OS3: canonical JAK2 hotspot, highly recurrent in myeloid neoplasms (under-represents myeloid tumours; tumour-type data used per SOP caveat), also reported in de novo AML (PMID:16247455); present in gnomAD v4 only at very low allele frequency (AF 2.9e-4), compatible with clonal hematopoiesis in controls (OP4). OP1 not applied: AlphaMissense discordant (0.33) despite CADD 28.7, SIFT deleterious, PolyPhen probably damaging. Total 9 points (Likely oncogenic). ClinVar at analysis (release 2022-07-09, used by Ion Reporter): Variation ID 14662, Conflicting interpretations of pathogenicity. Current record: ClinVar VCV000014662.143 (consulted 2026-10-29): germline classification Pathogenic/Likely pathogenic.

CeGaT Center for Human Genetics Tuebingen
Classification: Pathogenic. Last evaluated: 2026-08-01. Review status: criteria provided, single submitter. Criteria: CeGaT Center For Human Genetics Tuebingen Variant Classification Criteria Version 2. Collection method: clinical testing. Allele origin: germline. Affected: yes. Observed: 18 variant alleles.
Comment: JAK2: PS4, PM1, PP4:Moderate, PS3:Moderate

Medgenome Labs Ltd
Classification: Pathogenic for Primary familial polycythemia due to EPO receptor mutation. Last evaluated: 2026-07-07. Review status: criteria provided, single submitter. Criteria: ACMG Guidelines, 2015. Collection method: clinical testing. Allele origin: germline. Affected: yes.

Labcorp Genetics (formerly Invitae), Labcorp
Classification: Likely pathogenic. Last evaluated: 2026-01-22. Review status: criteria provided, single submitter. Criteria: Invitae Variant Classification Sherloc (09022015). Collection method: clinical testing. Allele origin: germline.
Comment: This sequence change replaces valine, which is neutral and non-polar, with phenylalanine, which is neutral and non-polar, at codon 617 of the JAK2 protein (p.Val617Phe). The frequency data for this variant in the population databases is considered unreliable, as metrics indicate poor data quality at this position in the gnomAD database. This variant is a well-known somatic change that has been reported as a recurrent variant in many individuals affected with myeloproliferative disorders (PMID: 15920007, 15781101, 15858187, 15793561, 16603627). ClinVar contains an entry for this variant (Variation ID: 14662). Invitae Evidence Modeling of protein sequence and biophysical properties (such as structural, functional, and spatial information, amino acid conservation, physicochemical variation, residue mobility, and thermodynamic stability) indicates that this missense variant is not expected to disrupt JAK2 protein function with a negative predictive value of 80%. Experimental studies have shown that this missense change affects JAK2 function (PMID: 15793561, 23535062). A different missense substitution at this codon (p.Val617Ile) has been reported to segregate with autosomal dominant hereditary thrombocytosis as a germline change in a single family (PMID: 22397670). Functional studies show that this variant results in constitutive kinase activation and cytokine hyper-responsiveness (PMID: 23535062, 22397670). In summary, the currently available evidence indicates that the variant is pathogenic, but additional data are needed to prove that conclusively. Therefore, this variant has been classified as Likely Pathogenic.

3billion
Classification: Pathogenic for JAK2-related disorder. Last evaluated: 2026-01-19. Review status: criteria provided, single submitter. Criteria: ACMG Guidelines, 2015. Collection method: clinical testing. Allele origin: germline. Affected: yes.
Comment: The variant is observed in the gnomAD v4.1.0 dataset (total allele frequency: 0.029%). Predicted Consequence/Location: Missense variant. Missense changes are a common disease-causing mechanism. In silico tool predictions suggest damaging effect of the variant on gene or gene product [REVEL: 0.88 (>=0.6, sensitivity 0.68 and specificity 0.92)]. The same nucleotide change resulting in the same amino acid change has been previously reported as pathogenic/likely pathogenic with strong evidence (ClinVar ID: VCV000014662 /3billion dataset). The variant has been observed in multiple (>3) similarly affected unrelated individuals (PMID: 22422826, 22571758, 22818858, 24404189). A different missense change at the same codon (p.Val617Ile) has been reported to be associated with JAK2-related disorder (ClinVar ID: VCV000029763 /PMID: 22397670). Therefore, this variant is classified as Pathogenic according to the recommendation of ACMG/AMP guideline.

Institute of Human Genetics, University of Leipzig Medical Center
Classification: Pathogenic for Acute myeloid leukemia. Last evaluated: 2025-11-11. Review status: criteria provided, single submitter. Criteria: ACMG Guidelines, 2015. Collection method: clinical testing. Allele origin: unknown. Affected: yes.
Comment: Criteria applied: PS4,PS3_MOD,PM1,PP4_MOD

GeneDx
Classification: Pathogenic. Last evaluated: 2025-10-27. Review status: criteria provided, single submitter. Criteria: GeneDx Variant Classification Process June 2021. Collection method: clinical testing. Allele origin: germline. Affected: yes.
Comment: In silico analysis supports that this missense variant has a deleterious effect on protein structure/function; This variant is associated with the following publications: (PMID: 23425079, 25698270, 21120162, 21689158, 27777768, 28205126, 24381227, 16755940, 16293597, 29349042, 31721094, 28596259, 29641446, 23300178, 16156870, 16871278, 20182460, 24068492, 15781101, 19287384, 25157968, 24986690, 16081687, 16709929, 18394554, 24404189, 20339092, 22571758, 20631743, 23115274, 22818858, 22041374, 22829971, 22422826, 21160067, 19549988, 16341032, 26228487, 23537216, 23248577, 23057517, 19195039, 17596137, 17440677, 17194663, 16990759, 16904848, 16954506, 16926301, 15920007, 15858187, 15860661, 26556299, 19293426, 16762626, 15793561, 30944118, 33144682, 32581362, 31447099, 19327411, 27389715, 35861108, 37885353, 35150601)

Laboratory of Genetics, Children's Clinical University Hospital Latvia
Classification: Pathogenic. Last evaluated: 2025-02-16. Review status: criteria provided, single submitter. Criteria: ACMG Guidelines, 2015. Collection method: clinical testing. Allele origin: germline. Affected: yes.

Mayo Clinic Laboratories, Mayo Clinic
Classification: Pathogenic. Last evaluated: 2024-10-29. Review status: criteria provided, single submitter. Criteria: ACMG Guidelines, 2015. Collection method: clinical testing. Allele origin: germline. Observed: 1 variant allele.

Genomic Medicine Center of Excellence, King Faisal Specialist Hospital and Research Centre
Classification: Likely pathogenic for Acquired polycythemia vera. Last evaluated: 2024-09-02. Review status: criteria provided, single submitter. Criteria: ACMG Guidelines, 2015. Collection method: clinical testing. Allele origin: germline.

Centre for Clinical Genetics and Genomic Diagnostics, Zealand University Hospital
Classification: Pathogenic. Last evaluated: 2024-02-26. Review status: criteria provided, single submitter. Criteria: ACMG Guidelines, 2015. Collection method: clinical testing. Allele origin: germline. Affected: yes.